The following is an entry in ClinVar:

NM_024490.4(ATP10A):c.3510G>C (p.Thr1170=)

Gene: ATP10A (ATPase phospholipid transporting 10A (putative); minus strand). Cytogenetic location: 15q12.
Variant type: single nucleotide variant.
Coding change: c.3510G>C on transcript NM_024490.4 (MANE Select); coding-DNA position 3510, G replaced by C.
Protein change: p.Thr1170=; no amino-acid change (threonine 1170 retained).
Molecular consequence: synonymous variant.
Genome position (GRCh38, 1-based): chr15:25,681,057, C>G on the plus strand (G>C on the coding strand, the complement: ATP10A is on the minus strand). VCF-style: chr15-25681057-C-G. GRCh37 (hg19) VCF-style: chr15-25926204-C-G.
Identifiers: ClinVar variation 3060676 (VCV003060676.2), dbSNP rs2076741, ClinGen allele CA7436082.

ClinVar aggregate classification (germline): Benign (0 of 4 stars; one submission).

Conditions:
ATP10A-related disorder. Also called: ATP10A-related condition.

Allele frequency attached by ClinVar (database versions not stated): ESP Exome Variant Server 0.08796; TOPMed 0.08812; 1000 Genomes Project 30x 0.12492; 1000 Genomes Project 0.12780.
gnomAD v4.1: 168,230 of 1,609,916 alleles (10%); highest among the groups gnomAD compares: South Asian, 24%; 10,511 homozygotes.

Submission:

PreventionGenetics, part of Exact Sciences
Classification: Benign for ATP10A-related condition. Last evaluated: 2019-11-15. Review status: no assertion criteria provided. Collection method: clinical testing. Allele origin: germline.
Comment: This variant is classified as benign based on ACMG/AMP sequence variant interpretation guidelines (Richards et al. 2015 PMID: 25741868, with internal and published modifications).